The following is an entry in ClinVar:

NM_152564.5(VPS13B):c.4746-1G>C

Gene: VPS13B (vacuolar protein sorting 13 homolog B; plus strand). Cytogenetic location: 8q22.2.
Variant type: single nucleotide variant.
Coding change: c.4746-1G>C on transcript NM_152564.5 (MANE Select); the canonical splice acceptor site of the intron before coding-DNA position 4746, G replaced by C.
Molecular consequence: splice acceptor variant.
Genome position (GRCh38, 1-based): chr8:99,556,449, G>C. VCF-style: chr8-99556449-G-C. GRCh37 (hg19) VCF-style: chr8-100568677-G-C.
Other names: c.4821-1G>C (NM_017890.4, NM_017890.5).
Identifiers: ClinVar variation 1469414 (VCV001469414.8), dbSNP rs768342041, ClinGen allele CA4823656.

ClinVar aggregate classification (germline): Likely pathogenic. Review status: criteria provided, multiple submitters, no conflicts (2 of 4 stars). 2 submissions from 2 submitters: Likely pathogenic (2). Last evaluated 2025-01-15.

Conditions:
Cohen syndrome (COH1). Also called: PEPPER SYNDROME; Cutis verticis gyrata, retinitis pigmentosa, and sensorineural deafness. Identifiers: Orphanet 193, MedGen C0265223, MONDO:0008999, OMIM 216550.

Allele frequency attached by ClinVar (database versions not stated): TOPMed below 0.00001; gnomAD 0.00001.
gnomAD v4.1: 1 of 1,612,138 alleles (0.000062%); highest among the groups gnomAD compares: Non-Finnish European, 0.000085%; no homozygotes.

Submissions (2):

Natera, Inc.
Classification: Likely pathogenic for Cohen syndrome. Last evaluated: 2025-01-15. Review status: criteria provided, single submitter. Criteria: Natera Variant Classification Schema (03/2026). Collection method: clinical testing. Allele origin: germline.
Comment: The c.4821-1G>C variant in VPS13B is a canonical splice acceptor site variant predicted to affect pre-mRNA splicing, which may result in an abnormal transcript and altered protein product. This variant is expected to result in nonsense mediated decay, truncation, or a dysfunctional protein product. This variant is rare in the general population with a frequency below the threshold expected for the associated phenotype(s). Given the available evidence, this variant is classified as Likely Pathogenic.

Labcorp Genetics (formerly Invitae), Labcorp
Classification: Likely pathogenic for Cohen syndrome. Last evaluated: 2023-05-17. Review status: criteria provided, single submitter. Criteria: Invitae Variant Classification Sherloc (09022015). Collection method: clinical testing. Allele origin: germline.
Comment: In summary, the currently available evidence indicates that the variant is pathogenic, but additional data are needed to prove that conclusively. Therefore, this variant has been classified as Likely Pathogenic. Algorithms developed to predict the effect of sequence changes on RNA splicing suggest that this variant may disrupt the consensus splice site. ClinVar contains an entry for this variant (Variation ID: 1469414). This variant has not been reported in the literature in individuals affected with VPS13B-related conditions. This variant is present in population databases (rs768342041, gnomAD 0.0009%). This sequence change affects an acceptor splice site in intron 30 of the VPS13B gene. It is expected to disrupt RNA splicing. Variants that disrupt the donor or acceptor splice site typically lead to a loss of protein function (PMID: 16199547), and loss-of-function variants in VPS13B are known to be pathogenic (PMID: 15141358, 16648375, 20461111).

Literature cited by the submitters: PubMed 16199547 (cited by Labcorp Genetics (formerly Invitae), Labcorp); PubMed 15141358 (cited by Labcorp Genetics (formerly Invitae), Labcorp); PubMed 16648375 (cited by Labcorp Genetics (formerly Invitae), Labcorp); PubMed 20461111 (cited by Labcorp Genetics (formerly Invitae), Labcorp).